The following is an entry in ClinVar:

NM_000136.3(FANCC):c.461T>G (p.Val154Gly)

Gene: FANCC (FA complementation group C; minus strand). Cytogenetic location: 9q22.32.
Variant type: single nucleotide variant.
Coding change: c.461T>G on transcript NM_000136.3 (MANE Select); coding-DNA position 461, T replaced by G.
Protein change: p.Val154Gly; replaces valine 154 with glycine.
Molecular consequence: missense variant.
Genome position (GRCh38, 1-based): chr9:95,171,139, A>C on the plus strand (T>G on the coding strand, the complement: FANCC is on the minus strand). VCF-style: chr9-95171139-A-C. GRCh37 (hg19) VCF-style: chr9-97933421-A-C.
Other names: c.461T>G, p.Val154Gly (NM_001243743.2, NM_001243744.2); short protein forms V154G.
Identifiers: ClinVar variation 1329751 (VCV001329751.6), dbSNP rs2135579805, ClinGen allele CA374338666.

ClinVar aggregate classification (germline): Uncertain significance. Review status: criteria provided, multiple submitters, no conflicts (2 of 4 stars). 3 submissions from 3 submitters: Uncertain significance (3). Last evaluated 2025-05-08.

Conditions:
Hereditary cancer-predisposing syndrome. Also called: Hereditary Cancer Syndrome; Tumor predisposition; Neoplastic Syndromes, Hereditary; Hereditary neoplastic syndrome. Identifiers: Orphanet 140162, MedGen C0027672, MeSH D009386, MONDO:0015356.
Fanconi anemia complementation group C (FANCC). Also called: FANCONI PANCYTOPENIA, TYPE 3; FACC; FANCC-Related Fanconi Anemia; Fanconi anemia, group C. Identifiers: Orphanet 84, MedGen C3468041, MONDO:0009213, OMIM 227645.

Allele frequency attached by ClinVar (database versions not stated): gnomAD exomes below 0.00001.
gnomAD v4.1: 2 of 1,612,682 alleles (0.00012%); highest among the groups gnomAD compares: Non-Finnish European, 0.00017%; no homozygotes.

Submissions (3):

Ambry Genetics
Classification: Uncertain significance for Hereditary cancer-predisposing syndrome. Last evaluated: 2025-05-08. Review status: criteria provided, single submitter. Criteria: Ambry Variant Classification Scheme 2023. Collection method: clinical testing. Allele origin: germline.
Comment: The p.V154G variant (also known as c.461T>G), located in coding exon 5 of the FANCC gene, results from a T to G substitution at nucleotide position 461. The valine at codon 154 is replaced by glycine, an amino acid with dissimilar properties. In addition, this alteration is predicted to be deleterious by in silico analysis. This variant was also observed in 1/3251 individuals who met eligibility criteria for hereditary breast and ovarian cancer syndrome (Lerner-Ellis J et al. J Cancer Res Clin Oncol, 2021 Mar;147:871-879). Since supporting evidence is limited at this time, the clinical significance of this alteration remains unclear.

GeneDx
Classification: Uncertain significance. Last evaluated: 2021-06-24. Review status: criteria provided, single submitter. Criteria: GeneDx Variant Classification Process June 2021. Collection method: clinical testing. Allele origin: germline. Affected: yes.
Comment: Not observed at significant frequency in large population cohorts (Lek 2016); In silico analysis supports that this missense variant has a deleterious effect on protein structure/function; Has not been previously published as pathogenic or benign to our knowledge; This variant is associated with the following publications: (PMID: 27535533)

Department of Pathology and Laboratory Medicine, Sinai Health System
Classification: Uncertain significance for Fanconi anemia complementation group C. Last evaluated: 2019-10-04. Review status: criteria provided, single submitter. Criteria: ACMG Guidelines, 2015. Collection method: clinical testing. Allele origin: germline. Affected: yes.

Literature cited by the submitters: PubMed 32885271 (cited by Ambry Genetics).